The following is an entry in ClinVar:

ClinVar aggregate classification (germline): Uncertain significance (1 of 4 stars; one submission).

Allele frequency attached by ClinVar (database versions not stated): ExAC 0.00001; gnomAD exomes below 0.00001 and 0.00002; gnomAD 0.00001; TOPMed 0.00001.
gnomAD v4.1: 8 of 1,613,548 alleles (0.0005%); highest among the groups gnomAD compares: South Asian, 0.0033%; no homozygotes.

Submission:

Labcorp Genetics (formerly Invitae), Labcorp
Classification: Uncertain significance. Last evaluated: 2025-02-25. Review status: criteria provided, single submitter. Criteria: Invitae Variant Classification Sherloc (09022015). Collection method: clinical testing. Allele origin: germline.
Comment: This sequence change replaces arginine, which is basic and polar, with histidine, which is basic and polar, at codon 963 of the DOCK6 protein (p.Arg963His). This variant is present in population databases (rs772459080, gnomAD 0.007%). This variant has not been reported in the literature in individuals affected with DOCK6-related conditions. ClinVar contains an entry for this variant (Variation ID: 1447361). Invitae Evidence Modeling of protein sequence and biophysical properties (such as structural, functional, and spatial information, amino acid conservation, physicochemical variation, residue mobility, and thermodynamic stability) indicates that this missense variant is not expected to disrupt DOCK6 protein function with a negative predictive value of 80%. In summary, the available evidence is currently insufficient to determine the role of this variant in disease. Therefore, it has been classified as a Variant of Uncertain Significance.

NM_020812.4(DOCK6):c.2888G>A (p.Arg963His)

Gene: DOCK6 (dedicator of cytokinesis 6; minus strand). Cytogenetic location: 19p13.2.
Variant type: single nucleotide variant.
Coding change: c.2888G>A on transcript NM_020812.4 (MANE Select); coding-DNA position 2888, G replaced by A.
Protein change: p.Arg963His; replaces arginine 963 with histidine.
Molecular consequence: missense variant.
Genome position (GRCh38, 1-based): chr19:11,227,404, C>T on the plus strand (G>A on the coding strand, the complement: DOCK6 is on the minus strand). VCF-style: chr19-11227404-C-T. GRCh37 (hg19) VCF-style: chr19-11338080-C-T.
Other names: c.2993G>A, p.Arg998His (NM_001367830.1); short protein forms R998H, R963H.
Identifiers: ClinVar variation 1447361 (VCV001447361.6), dbSNP rs772459080, ClinGen allele CA9207448.